The following is an entry in ClinVar:

ClinVar aggregate classification (germline): Likely benign. Review status: criteria provided, multiple submitters, no conflicts (2 of 4 stars). 2 submissions from 2 submitters: Likely benign (2). Last evaluated 2025-05-22.

Conditions:
PRPF31-related disorder. Also called: PRPF31-related condition.

Allele frequency attached by ClinVar (database versions not stated): gnomAD exomes 0.00001 and 0.00002; ExAC 0.00002; gnomAD 0.00005 and 0.00006; ESP Exome Variant Server 0.00008; TOPMed 0.00008.
gnomAD v4.1: 19 of 1,613,576 alleles (0.0012%); highest among the groups gnomAD compares: African/African-American, 0.021%; no homozygotes.

Submissions (2):

PreventionGenetics, part of Exact Sciences
Classification: Likely benign for PRPF31-related condition. Last evaluated: 2025-05-22. Review status: criteria provided, single submitter. Criteria: ACMG Guidelines, 2015. Collection method: clinical testing. Allele origin: germline.
Comment: This variant is classified as likely benign based on ACMG/AMP sequence variant interpretation guidelines (Richards et al. 2015 PMID: 25741868, with internal and published modifications).

Labcorp Genetics (formerly Invitae), Labcorp
Classification: Likely benign. Last evaluated: 2025-05-21. Review status: criteria provided, single submitter. Criteria: Invitae Variant Classification Sherloc (09022015). Collection method: clinical testing. Allele origin: germline.

NM_015629.4(PRPF31):c.810C>T (p.His270=)

Gene: PRPF31 (pre-mRNA processing factor 31; plus strand). Cytogenetic location: 19q13.42.
Variant type: single nucleotide variant.
Coding change: c.810C>T on transcript NM_015629.4 (MANE Select); coding-DNA position 810, C replaced by T.
Protein change: p.His270=; no amino-acid change (histidine 270 retained).
Molecular consequence: synonymous variant.
Genome position (GRCh38, 1-based): chr19:54,124,611, C>T. VCF-style: chr19-54124611-C-T. GRCh37 (hg19) VCF-style: chr19-54627990-C-T.
Other names: c.810C>T (NM_015629.3).
Identifiers: ClinVar variation 1655283 (VCV001655283.9), dbSNP rs377250632, ClinGen allele CA309326164.